The following is an entry in ClinVar:

NM_001145252.3(CFP):c.461A>G (p.Lys154Arg)

Gene: CFP (complement factor properdin; minus strand). Cytogenetic location: Xp11.23.
Variant type: single nucleotide variant.
Coding change: c.461A>G on transcript NM_001145252.3 (MANE Select); coding-DNA position 461, A replaced by G.
Protein change: p.Lys154Arg; replaces lysine 154 with arginine.
Molecular consequence: missense variant.
Genome position (GRCh38, 1-based): chrX:47,627,584, T>C on the plus strand (A>G on the coding strand, the complement: CFP is on the minus strand). VCF-style: chrX-47627584-T-C. GRCh37 (hg19) VCF-style: chrX-47486983-T-C.
Other names: c.461A>G, p.Lys154Arg (NM_002621.2); short protein forms K154R.
Identifiers: ClinVar variation 2812320 (VCV002812320.3), dbSNP rs2519717358, ClinGen allele CA412838745.

ClinVar aggregate classification (germline): Uncertain significance (1 of 4 stars; one submission).

Allele frequency attached by ClinVar (database versions not stated): gnomAD exomes below 0.00001.
gnomAD v4.1: 1 of 1,203,751 alleles (0.000083%); highest among the groups gnomAD compares: Non-Finnish European, 0.00011%; no homozygotes.

Submission:

Labcorp Genetics (formerly Invitae), Labcorp
Classification: Uncertain significance. Last evaluated: 2023-03-01. Review status: criteria provided, single submitter. Criteria: Invitae Variant Classification Sherloc (09022015). Collection method: clinical testing. Allele origin: germline.
Comment: In summary, the available evidence is currently insufficient to determine the role of this variant in disease. Therefore, it has been classified as a Variant of Uncertain Significance. Advanced modeling of protein sequence and biophysical properties (such as structural, functional, and spatial information, amino acid conservation, physicochemical variation, residue mobility, and thermodynamic stability) performed at Invitae indicates that this missense variant is not expected to disrupt CFP protein function. This variant has not been reported in the literature in individuals affected with CFP-related conditions. This variant is not present in population databases (gnomAD no frequency). This sequence change replaces lysine, which is basic and polar, with arginine, which is basic and polar, at codon 154 of the CFP protein (p.Lys154Arg).